The following is an entry in ClinVar:

ClinVar aggregate classification (germline): Uncertain significance (1 of 4 stars; one submission).

Allele frequency attached by ClinVar (database versions not stated): gnomAD exomes below 0.00001; TOPMed below 0.00001; gnomAD 0.00001.
gnomAD v4.1: 2 of 1,605,898 alleles (0.00012%); highest among the groups gnomAD compares: African/African-American, 0.0027%; no homozygotes.

Submission:

Labcorp Genetics (formerly Invitae), Labcorp
Classification: Uncertain significance. Last evaluated: 2023-06-09. Review status: criteria provided, single submitter. Criteria: Invitae Variant Classification Sherloc (09022015). Collection method: clinical testing. Allele origin: germline.
Comment: In summary, the available evidence is currently insufficient to determine the role of this variant in disease. Therefore, it has been classified as a Variant of Uncertain Significance. Advanced modeling of protein sequence and biophysical properties (such as structural, functional, and spatial information, amino acid conservation, physicochemical variation, residue mobility, and thermodynamic stability) performed at Invitae indicates that this missense variant is not expected to disrupt OPA1 protein function. This variant has not been reported in the literature in individuals affected with OPA1-related conditions. This variant is not present in population databases (gnomAD no frequency). This sequence change replaces leucine, which is neutral and non-polar, with arginine, which is basic and polar, at codon 529 of the OPA1 protein (p.Leu529Arg).

NM_130837.3(OPA1):c.1751T>G (p.Leu584Arg)

Gene: OPA1 (OPA1 mitochondrial dynamin like GTPase; plus strand). Cytogenetic location: 3q29.
Variant type: single nucleotide variant.
Coding change: c.1751T>G on transcript NM_130837.3 (MANE Select); coding-DNA position 1751, T replaced by G.
Protein change: p.Leu584Arg; replaces leucine 584 with arginine.
Molecular consequence: missense variant.
Genome position (GRCh38, 1-based): chr3:193,645,797, T>G. VCF-style: chr3-193645797-T-G. GRCh37 (hg19) VCF-style: chr3-193363586-T-G.
Other names: c.1217T>G, p.Leu406Arg (NM_001354663.2); c.1214T>G, p.Leu405Arg (NM_001354664.2); c.1586T>G, p.Leu529Arg (NM_015560.3); c.1478T>G, p.Leu493Arg (NM_130831.3); c.1532T>G, p.Leu511Arg (NM_130832.3); c.1589T>G, p.Leu530Arg (NM_130833.3); c.1640T>G, p.Leu547Arg (NM_130834.3); c.1643T>G, p.Leu548Arg (NM_130835.3); and 1 more; short protein forms L548R, L406R, L529R, L566R, L405R, L530R, L547R, L584R.
Identifiers: ClinVar variation 2802415 (VCV002802415.3), dbSNP rs1283533934, ClinGen allele CA355790325.